The following is an entry in ClinVar:

ClinVar aggregate classification (germline): Uncertain significance. Review status: criteria provided, multiple submitters, no conflicts (2 of 4 stars). 2 submissions from 2 submitters: Uncertain significance (2). Last evaluated 2026-01-12.

Conditions:
Inborn genetic diseases. Identifiers: MedGen C0950123, MeSH D030342.

Allele frequency attached by ClinVar (database versions not stated): gnomAD exomes 0.00001; TOPMed 0.00002; gnomAD 0.00003.
gnomAD v4.1: 18 of 1,614,002 alleles (0.0011%); highest among the groups gnomAD compares: Non-Finnish European, 0.0015%; no homozygotes.

Submissions (2):

Labcorp Genetics (formerly Invitae), Labcorp
Classification: Uncertain significance. Last evaluated: 2026-01-12. Review status: criteria provided, single submitter. Criteria: Invitae Variant Classification Sherloc (09022015). Collection method: clinical testing. Allele origin: germline.
Comment: This sequence change replaces glutamic acid, which is acidic and polar, with aspartic acid, which is acidic and polar, at codon 1086 of the C2CD3 protein (p.Glu1086Asp). This variant is present in population databases (no rsID available, gnomAD 0.003%). This variant has not been reported in the literature in individuals affected with C2CD3-related conditions. ClinVar contains an entry for this variant (Variation ID: 1947315). Invitae Evidence Modeling of protein sequence and biophysical properties (such as structural, functional, and spatial information, amino acid conservation, physicochemical variation, residue mobility, and thermodynamic stability) indicates that this missense variant is not expected to disrupt C2CD3 protein function with a negative predictive value of 80%. In summary, the available evidence is currently insufficient to determine the role of this variant in disease. Therefore, it has been classified as a Variant of Uncertain Significance.

Ambry Genetics
Classification: Uncertain significance for Inborn genetic diseases. Last evaluated: 2025-11-26. Review status: criteria provided, single submitter. Criteria: Ambry Variant Classification Scheme 2023. Collection method: clinical testing. Allele origin: germline.

NM_001286577.2(C2CD3):c.3258G>C (p.Glu1086Asp)

Gene: C2CD3 (C2 domain containing 3 centriole elongation regulator; minus strand). Cytogenetic location: 11q13.4.
Variant type: single nucleotide variant.
Coding change: c.3258G>C on transcript NM_001286577.2 (MANE Select); coding-DNA position 3258, G replaced by C.
Protein change: p.Glu1086Asp; replaces glutamic acid 1086 with aspartic acid.
Molecular consequence: missense variant.
Genome position (GRCh38, 1-based): chr11:74,093,902, C>G on the plus strand (G>C on the coding strand, the complement: C2CD3 is on the minus strand). VCF-style: chr11-74093902-C-G. GRCh37 (hg19) VCF-style: chr11-73804947-C-G.
Other names: c.3258G>C, p.Glu1086Asp (NM_015531.6); c.3258G>C (NM_015531.4); short protein forms E1086D.
Identifiers: ClinVar variation 1947315 (VCV001947315.5), dbSNP rs1437827235, ClinGen allele CA381826416.
Genomic context (GRCh38, chr11:74,093,902, plus strand): 5'-ACCTCCAGGCACGAGGCCCTGTGCAGAGAAAGCACTTAGTAGGAGCCTTTGCACTGGAAC[C>G]TCAGCTGGCAACAGGAGAGAGTGATGGTGTTCACTATTAAAGATGGGATCTGGAACACAG-3'
Protein context (NP_001273506.1, residues 1076-1096): EHHHSLLLPA[Glu1086Asp]VPVQRLLLSA